The following is an entry in ClinVar:

ClinVar aggregate classification (germline): Uncertain significance (1 of 4 stars; one submission).

Submission:

GeneDx
Classification: Uncertain significance. Last evaluated: 2024-01-14. Review status: criteria provided, single submitter. Criteria: GeneDx Variant Classification Process June 2021. Collection method: clinical testing. Allele origin: germline. Affected: yes.
Comment: Not observed at significant frequency in large population cohorts (gnomAD); In silico analysis supports that this missense variant does not alter protein structure/function; Has not been previously published as pathogenic or benign to our knowledge

NM_170606.3(KMT2C):c.8554C>G (p.Pro2852Ala)

Gene: KMT2C (lysine methyltransferase 2C; minus strand). Cytogenetic location: 7q36.1.
Variant type: single nucleotide variant.
Coding change: c.8554C>G on transcript NM_170606.3 (MANE Select); coding-DNA position 8554, C replaced by G.
Protein change: p.Pro2852Ala; replaces proline 2852 with alanine.
Molecular consequence: missense variant.
Genome position (GRCh38, 1-based): chr7:152,176,899, G>C on the plus strand (C>G on the coding strand, the complement: KMT2C is on the minus strand). VCF-style: chr7-152176899-G-C. GRCh37 (hg19) VCF-style: chr7-151873984-G-C.
Other names: short protein forms P2852A.
Identifiers: ClinVar variation 3367749 (VCV003367749.1).